The following is an entry in ClinVar:

ClinVar aggregate classification (germline): Uncertain significance (1 of 4 stars; one submission).

Submission:

GeneDx
Classification: Uncertain significance. Last evaluated: 2026-03-16. Review status: criteria provided, single submitter. Criteria: GeneDx Variant Classification Process June 2021. Collection method: clinical testing. Allele origin: germline.
Comment: Not observed at significant frequency in large population cohorts (gnomAD); In silico analysis supports that this missense variant has a deleterious effect on protein structure/function; Has not been previously published as pathogenic or benign to our knowledge

NM_015375.3(DSTYK):c.2323C>A (p.His775Asn)

Gene: DSTYK (dual serine/threonine and tyrosine protein kinase; minus strand). Cytogenetic location: 1q32.1.
Variant type: single nucleotide variant.
Coding change: c.2323C>A on transcript NM_015375.3 (MANE Select); coding-DNA position 2323, C replaced by A.
Protein change: p.His775Asn; replaces histidine 775 with asparagine.
Molecular consequence: missense variant.
Genome position (GRCh38, 1-based): chr1:205,157,302, G>T on the plus strand (C>A on the coding strand, the complement: DSTYK is on the minus strand). VCF-style: chr1-205157302-G-T. GRCh37 (hg19) VCF-style: chr1-205126430-G-T.
Other names: c.2323C>A, p.His775Asn (NM_199462.3); short protein forms H775N.
Identifiers: ClinVar variation 5009296 (VCV005009296.1).
Genomic context (GRCh38, chr1:205,157,302, plus strand): 5'-GTATAATCTTGGGGAAACAGCTTTTACTTACCAGCACATTTTTCAGTTTGATATCACGAT[G>T]GACAAGTCCCTGGCTGTGCAGGAAGCGGATTCCCTCCACCACATCTAGTGCTATCTGCAA-3'
Protein context (NP_056190.1, residues 765-785): IRFLHSQGLV[His775Asn]RDIKLKNVLL